The following is an entry in ClinVar:

ClinVar aggregate classification (germline): Pathogenic. Review status: criteria provided, single submitter (1 of 4 stars). 2 submissions from 2 submitters: Pathogenic (1). 1 of the submissions does not count toward it. Last evaluated 2022-10-13.

Conditions:
17-alpha-hydroxylase/17,20-lyase deficiency, combined complete. Identifiers: MedGen CN042980, MONDO:0800379.

Allele frequency attached by ClinVar (database versions not stated): gnomAD exomes below 0.00001.

Submissions (2):

Labcorp Genetics (formerly Invitae), Labcorp
Classification: Pathogenic. Last evaluated: 2022-10-13. Review status: criteria provided, single submitter. Criteria: Invitae Variant Classification Sherloc (09022015). Collection method: clinical testing. Allele origin: germline.
Comment: This sequence change creates a premature translational stop signal (p.Trp17*) in the CYP17A1 gene. It is expected to result in an absent or disrupted protein product. Loss-of-function variants in CYP17A1 are known to be pathogenic (PMID: 17192295, 20197673, 24140098). For these reasons, this variant has been classified as Pathogenic. ClinVar contains an entry for this variant (Variation ID: 1789). This variant is also known as Cytochrome P450c17 W17X. This premature translational stop signal has been observed in individual(s) with CYP17A1-related conditions (PMID: 3263289, 9435441, 33819959). This variant is not present in population databases (gnomAD no frequency).

OMIM
Classification: Pathogenic for 17-ALPHA-HYDROXYLASE/17,20-LYASE DEFICIENCY, COMBINED COMPLETE. Last evaluated: 1998-01-01. Review status: no assertion criteria provided. Collection method: literature only. Allele origin: germline. Not counted in ClinVar's aggregate classification.

Literature cited by the submitters: PubMed 17192295 (cited by Labcorp Genetics (formerly Invitae), Labcorp); PubMed 20197673 (cited by Labcorp Genetics (formerly Invitae), Labcorp); PubMed 24140098 (cited by Labcorp Genetics (formerly Invitae), Labcorp); PubMed 3263289 (cited by Labcorp Genetics (formerly Invitae), Labcorp); PubMed 9435441 (cited by Labcorp Genetics (formerly Invitae), Labcorp and OMIM); PubMed 33819959 (cited by Labcorp Genetics (formerly Invitae), Labcorp).

NM_000102.4(CYP17A1):c.51G>A (p.Trp17Ter)

Gene: CYP17A1 (cytochrome P450 family 17 subfamily A member 1; minus strand). Cytogenetic location: 10q24.32.
Variant type: single nucleotide variant.
Coding change: c.51G>A on transcript NM_000102.4 (MANE Select); coding-DNA position 51, G replaced by A.
Protein change: p.Trp17Ter; replaces tryptophan 17 with a stop codon.
Molecular consequence: nonsense.
Genome position (GRCh38, 1-based): chr10:102,837,311, C>T on the plus strand (G>A on the coding strand, the complement: CYP17A1 is on the minus strand). VCF-style: chr10-102837311-C-T. GRCh37 (hg19) VCF-style: chr10-104597068-C-T.
Other names: short protein forms W17*.
Identifiers: ClinVar variation 1789 (VCV000001789.4), dbSNP rs104894141, ClinGen allele CA115186.